The following is an entry in ClinVar:

NM_001754.5(RUNX1):c.820del (p.Gln274fs)

Gene: RUNX1 (RUNX family transcription factor 1; minus strand). Cytogenetic location: 21q22.12.
Variant type: Deletion.
Coding change: c.820del on transcript NM_001754.5 (MANE Select); coding-DNA position 820, one base deleted (C; older notation c.820delC).
Protein change: p.Gln274fs; shifts the reading frame from glutamine 274.
Molecular consequence: frameshift variant.
Genome position (GRCh38, 1-based): chr21:34,799,448, G deleted on the plus strand (C on the coding strand, the reverse complement: RUNX1 is on the minus strand); the first of 2 consecutive G bases (chr21:34,799,448-34,799,449); deleting either gives the same sequence. VCF-style (leftmost placement, unchanged base first): chr21-34799447-TG-T. GRCh37 (hg19) VCF-style: chr21-36171744-TG-T.
Other names: NM_001754.4(RUNX1):c.820del; p.Gln274fs; c.739del, p.Gln247fs (NM_001001890.3); c.820delC (NM_001754.4); short protein forms Q247fs, Q274fs.
Identifiers: ClinVar variation 561256 (VCV000561256.5), dbSNP rs1569009004, ClinGen allele CA658824399.

ClinVar aggregate classification (germline): Likely pathogenic. Review status: reviewed by expert panel (3 of 4 stars). 2 submissions from 2 submitters: Likely pathogenic (1). 1 of the submissions does not count toward it. Last evaluated 2026-10-02.

Conditions:
Hereditary thrombocytopenia and hematologic cancer predisposition syndrome. Identifiers: Orphanet 71290, MedGen CN281654, MONDO:0011071.

Submissions (2):

ClinGen Myeloid Malignancy Variant Curation Expert Panel
Classification: Likely pathogenic for Hereditary thrombocytopenia and hematologic cancer predisposition syndrome. Last evaluated: 2026-10-02. Review status: reviewed by expert panel. Criteria: ClinGen MyeloMalig ACMG Specifications V3.1. Collection method: curation. Allele origin: germline. Inheritance: Autosomal recessive inheritance.
Comment: NM_001754.5(RUNX1):c.820del (p.Gln274AsnfsTer37) is a frameshift variant which is not predicted to undergo NMD (PVS1_Strong). This variant is downstream of c.98 (PM5_Supporting) and is completely absent from all population databases with at least 20x coverage for RUNX1 (PM2_Supporting). In summary, this variant meets criteria to be classified as likely pathogenic. ACMG/AMP criteria applied, as specified by the ClinGen Myeloid Malignancy Variant Curation Expert Panel for RUNX1: PVS1_Strong, PM5_Supporting, PM2_Supporting.

PreventionGenetics, part of Exact Sciences
Classification: Likely pathogenic. Last evaluated: 2016-09-22. Review status: criteria provided, single submitter. Criteria: ACMG Guidelines, 2015. Collection method: clinical testing. Allele origin: germline. Not counted in ClinVar's aggregate classification.